The following is an entry in ClinVar:

NM_000215.4(JAK3):c.41G>A (p.Arg14His)

Gene: JAK3 (Janus kinase 3; minus strand). Cytogenetic location: 19p13.11.
Variant type: single nucleotide variant.
Coding change: c.41G>A on transcript NM_000215.4 (MANE Select); coding-DNA position 41, G replaced by A.
Protein change: p.Arg14His; replaces arginine 14 with histidine.
Molecular consequence: missense variant.
Genome position (GRCh38, 1-based): chr19:17,844,377, C>T on the plus strand (G>A on the coding strand, the complement: JAK3 is on the minus strand). VCF-style: chr19-17844377-C-T. GRCh37 (hg19) VCF-style: chr19-17955186-C-T.
Other names: c.41G>A, p.Arg14His (NM_001440439.1); short protein forms R14H.
Identifiers: ClinVar variation 4798419 (VCV004798419.1).
Genomic context (GRCh38, chr19:17,844,377, plus strand): 5'-CCCCGAGCGGGCAGCAGCACATGCAGGGCACCAGCCTCCGTGGACAAGAGGCTGCATGAA[C>T]GCTGAGGGATCAGGGGCGTCTCTTCACTTGGAGGTGCCATGAGTGCAACTTGCCTGGGGC-3'
Protein context (NP_000206.2, residues 4-24): PSEETPLIPQ[Arg14His]SCSLLSTEAG

ClinVar aggregate classification (germline): Uncertain significance (1 of 4 stars; one submission).

Conditions:
T-B+ severe combined immunodeficiency due to JAK3 deficiency. Also called: SCID, T CELL-NEGATIVE, B CELL-POSITIVE, NK CELL-NEGATIVE; SCID, autosomal recessive, T-negative/B-positive type. Identifiers: Orphanet 35078, MedGen C1833275, MONDO:0010938, OMIM 600802.

Submission:

Labcorp Genetics (formerly Invitae), Labcorp
Classification: Uncertain significance for T-B+ severe combined immunodeficiency due to JAK3 deficiency. Last evaluated: 2025-05-23. Review status: criteria provided, single submitter. Criteria: Invitae Variant Classification Sherloc (09022015). Collection method: clinical testing. Allele origin: germline.
Comment: This sequence change replaces arginine, which is basic and polar, with histidine, which is basic and polar, at codon 14 of the JAK3 protein (p.Arg14His). This variant is present in population databases (rs780084832, gnomAD 0.02%). This variant has not been reported in the literature in individuals affected with JAK3-related conditions. Invitae Evidence Modeling of protein sequence and biophysical properties (such as structural, functional, and spatial information, amino acid conservation, physicochemical variation, residue mobility, and thermodynamic stability) has been performed for this missense variant. However, the output from this modeling did not meet the statistical confidence thresholds required to predict the impact of this variant on JAK3 protein function. In summary, the available evidence is currently insufficient to determine the role of this variant in disease. Therefore, it has been classified as a Variant of Uncertain Significance.